The following is an entry in ClinVar:

ClinVar aggregate classification (germline): Uncertain significance (1 of 4 stars; one submission).

Submission:

GeneDx
Classification: Uncertain significance. Last evaluated: 2026-04-12. Review status: criteria provided, single submitter. Criteria: GeneDx Variant Classification Process June 2021. Collection method: clinical testing. Allele origin: germline.
Comment: Not observed at significant frequency in large population cohorts (gnomAD); In-frame deletion of 2 amino acid(s) in a non-repeat region; In silico analysis suggests that this variant does not alter protein structure/function; Has not been previously published as pathogenic or benign to our knowledge

NM_025144.4(ALPK1):c.614_619del (p.Gln205_Lys206del)

Gene: ALPK1 (alpha kinase 1; plus strand). Cytogenetic location: 4q25.
Variant type: Deletion.
Coding change: c.614_619del on transcript NM_025144.4 (MANE Select); coding-DNA positions 614 to 619, 6 bases deleted (AAAAGC; older notation c.614_619delAAAAGC).
Protein change: p.Gln205_Lys206del.
Molecular consequence: inframe deletion.
Genome position (GRCh38, 1-based): chr4:112,425,743-112,425,748, AAAAGC deleted; deleting any 6 consecutive bases within chr4:112,425,741-112,425,748 gives the same sequence; the c. name uses the placement nearest the transcript's 3' end. VCF-style (leftmost placement, unchanged base first): chr4-112425740-TGCAAAA-T. GRCh37 (hg19) VCF-style: chr4-113346896-TGCAAAA-T.
Other names: c.614_619del, p.Gln205_Lys206del (NM_001102406.2); c.380_385del, p.Gln127_Lys128del (NM_001253884.2).
Identifiers: ClinVar variation 5018434 (VCV005018434.1).